The following is an entry in ClinVar:

ClinVar aggregate classification (germline): Pathogenic (1 of 4 stars; one submission).

Conditions:
Familial thoracic aortic aneurysm and aortic dissection (TAAD). Also called: Thoracic aortic aneurysms and dissections. Identifiers: Orphanet 91387, MedGen C4707243, MONDO:0019625.
Marfan syndrome (MFS). Also called: FBN1-Related Marfan Syndrome; Marfan syndrome type 1; Marfan's syndrome; Marfan syndrome, classic; MARFAN SYNDROME, TYPE I. Identifiers: Orphanet 284963, Orphanet 558, MedGen C0024796, MONDO:0007947, OMIM 154700.

Submission:

Labcorp Genetics (formerly Invitae), Labcorp
Classification: Pathogenic for Marfan syndrome; Familial thoracic aortic aneurysm and aortic dissection. Last evaluated: 2022-09-13. Review status: criteria provided, single submitter. Criteria: Invitae Variant Classification Sherloc (09022015). Collection method: clinical testing. Allele origin: germline.
Comment: For these reasons, this variant has been classified as Pathogenic. This variant disrupts the p.Cys2151 amino acid residue in FBN1. Other variant(s) that disrupt this residue have been observed in individuals with FBN1-related conditions (PMID: 8136837, 19293843), which suggests that this may be a clinically significant amino acid residue. This variant affects a cysteine residue in the EGF-like, TGFBP or hybrid motif domains of FBN1. Cysteine residues are believed to be involved in intramolecular disulfide bridges and have been shown to be important for FBN1 protein structure (PMID: 16905551, 19349279). In addition, missense substitutions affecting cysteine residues within these domains are significantly overrepresented among patients with Marfan syndrome (PMID: 16571647, 17701892). Advanced modeling of protein sequence and biophysical properties (such as structural, functional, and spatial information, amino acid conservation, physicochemical variation, residue mobility, and thermodynamic stability) performed at Invitae indicates that this missense variant is expected to disrupt FBN1 protein function. ClinVar contains an entry for this variant (Variation ID: 662658). This missense change has been observed in individual(s) with clinical features of FBN1-related conditions (Invitae). This variant is not present in population databases (gnomAD no frequency). This sequence change replaces cysteine, which is neutral and slightly polar, with tyrosine, which is neutral and polar, at codon 2151 of the FBN1 protein (p.Cys2151Tyr).

Literature cited by the submitters: PubMed 8136837; PubMed 19293843; PubMed 16905551; PubMed 19349279; PubMed 16571647; PubMed 17701892.

NM_000138.5(FBN1):c.6452G>A (p.Cys2151Tyr)

Gene: FBN1 (fibrillin 1; minus strand). Cytogenetic location: 15q21.1.
Variant type: single nucleotide variant.
Coding change: c.6452G>A on transcript NM_000138.5 (MANE Select); coding-DNA position 6452, G replaced by A.
Protein change: p.Cys2151Tyr; replaces cysteine 2151 with tyrosine.
Molecular consequence: missense variant.
Genome position (GRCh38, 1-based): chr15:48,437,005, C>T on the plus strand (G>A on the coding strand, the complement: FBN1 is on the minus strand). VCF-style: chr15-48437005-C-T. GRCh37 (hg19) VCF-style: chr15-48729202-C-T.
Other names: short protein forms C2151Y.
Identifiers: ClinVar variation 662658 (VCV000662658.8), dbSNP rs112464743, ClinGen allele CA269526137.